The following is an entry in ClinVar:

ClinVar aggregate classification (germline): Likely benign. Review status: reviewed by expert panel (3 of 4 stars). 8 submissions from 8 submitters: Likely benign (1). 7 of the submissions do not count toward it. Last evaluated 2017-06-29.

Conditions:
Hereditary breast ovarian cancer syndrome. Also called: Hereditary breast and ovarian cancer syndrome; Hereditary breast and ovarian cancer; Hereditary breast and ovarian cancer syndrome (HBOC); Breast and ovarian cancer; Hereditary breast and/or ovarian cancer syndrome; BRCA1- and BRCA2-Associated Hereditary Breast and Ovarian Cancer. Identifiers: Orphanet 145, MedGen C0677776, MeSH D061325, MONDO:0003582. Disease mechanism: loss of function.
Hereditary cancer-predisposing syndrome. Also called: Neoplastic Syndromes, Hereditary; Tumor predisposition; Hereditary neoplastic syndrome; Hereditary Cancer Syndrome. Identifiers: Orphanet 140162, MedGen C0027672, MeSH D009386, MONDO:0015356.
Breast-ovarian cancer, familial, susceptibility to, 2 (BROVCA2). Also called: BRCA2 Hereditary Breast and Ovarian Cancer. Identifiers: Orphanet 145, MedGen C2675520, MONDO:0012933, OMIM 612555. Disease mechanism: loss of function.

Allele frequency attached by ClinVar (database versions not stated): gnomAD exomes 0.00001; ExAC 0.00003.
gnomAD v4.1: 4 of 1,613,542 alleles (0.00025%); highest among the groups gnomAD compares: Non-Finnish European, 0.00034%; no homozygotes.

Submissions (8):

Evidence-based Network for the Interpretation of Germline Mutant Alleles (ENIGMA)
Classification: Likely benign for Breast-ovarian cancer, familial, susceptibility to, 2. Last evaluated: 2017-06-29. Review status: reviewed by expert panel. Criteria: ENIGMA BRCA1/2 Classification Criteria (2017-06-29). Collection method: curation. Allele origin: germline.
Comment: Synonymous substitution variant, with low bioinformatic likelihood to result in a splicing aberration (Splicing prior probability 0.02).

Labcorp Genetics (formerly Invitae), Labcorp
Classification: Likely benign for Hereditary breast ovarian cancer syndrome. Last evaluated: 2025-03-05. Review status: criteria provided, single submitter. Criteria: Invitae Variant Classification Sherloc (09022015). Collection method: clinical testing. Allele origin: germline. Not counted in ClinVar's aggregate classification.

Center for Genomic Medicine, Rigshospitalet, Copenhagen University Hospital
Classification: Likely benign. Last evaluated: 2025-03-04. Review status: criteria provided, single submitter. Criteria: ACMG Guidelines, 2015. Collection method: clinical testing. Allele origin: germline. Not counted in ClinVar's aggregate classification.

All of Us Research Program, National Institutes of Health
Classification: Likely benign for Breast-ovarian cancer, familial, susceptibility to, 2. Last evaluated: 2023-06-26. Review status: criteria provided, single submitter. Criteria: ACMG Guidelines, 2015. Collection method: clinical testing. Allele origin: germline. Inheritance: Autosomal dominant inheritance. Observed: 1 variant allele, 1 heterozygote. Not counted in ClinVar's aggregate classification.
Comment: This study involves interpretation of variants in research participants for the purpose of population health screening. Participant phenotype was not available at the time of variant classification. Additional details can be found in publication PMID: 35346344, PMCID: PMC8962531

Color Diagnostics, LLC DBA Color Health
Classification: Likely benign for Hereditary cancer-predisposing syndrome. Last evaluated: 2020-09-15. Review status: criteria provided, single submitter. Criteria: ACMG Guidelines, 2015. Collection method: clinical testing. Allele origin: germline. Not counted in ClinVar's aggregate classification.

GeneDx
Classification: Likely benign. Last evaluated: 2017-06-07. Review status: criteria provided, single submitter. Criteria: GeneDx Variant Classification (06012015). Collection method: clinical testing. Allele origin: germline. Affected: yes. Not counted in ClinVar's aggregate classification.
Comment: This variant is considered likely benign or benign based on one or more of the following criteria: it is a conservative change, it occurs at a poorly conserved position in the protein, it is predicted to be benign by multiple in silico algorithms, and/or has population frequency not consistent with disease.

Ambry Genetics
Classification: Likely benign for Hereditary cancer-predisposing syndrome. Last evaluated: 2016-09-21. Review status: criteria provided, single submitter. Criteria: Ambry Variant Classification Scheme 2023. Collection method: clinical testing. Allele origin: germline. Not counted in ClinVar's aggregate classification.

Breast Cancer Information Core (BIC) (BRCA2)
Classification: Uncertain significance for Breast-ovarian cancer, familial 2. Last evaluated: 1998-11-30. Review status: no assertion criteria provided. Collection method: clinical testing. Allele origin: germline. Affected: yes. Observed: 1 variant allele. Not counted in ClinVar's aggregate classification.

NM_000059.4(BRCA2):c.4830G>A (p.Val1610=)

Gene: BRCA2 (BRCA2 DNA repair associated; plus strand). Cytogenetic location: 13q13.1.
Variant type: single nucleotide variant.
Coding change: c.4830G>A on transcript NM_000059.4 (MANE Select); coding-DNA position 4830, G replaced by A.
Protein change: p.Val1610=; no amino-acid change (valine 1610 retained).
Molecular consequence: synonymous variant.
Genome position (GRCh38, 1-based): chr13:32,339,185, G>A. VCF-style: chr13-32339185-G-A. GRCh37 (hg19) VCF-style: chr13-32913322-G-A.
Other names: 5058G/A.
Identifiers: ClinVar variation 51722 (VCV000051722.23), dbSNP rs80359789, ClinGen allele CA020887.